The following is an entry in ClinVar:

ClinVar aggregate classification (germline): Pathogenic/Likely pathogenic. Review status: criteria provided, multiple submitters, no conflicts (2 of 4 stars). 6 submissions from 6 submitters: Pathogenic (3); Likely pathogenic (1). 2 of the submissions do not count toward it. Last evaluated 2026-05-22.

Conditions:
ALAS2-related disorder. Also called: ALAS2-related condition.
X-linked erythropoietic protoporphyria. Also called: X-Linked Protoporphyria; Erythropoietic Protoporphyria, X-Linked Dominant; ERYTHROHEPATIC PROTOPORPHYRIA, X-LINKED. Identifiers: Orphanet 443197, MedGen C2677889, MONDO:0010420, OMIM 300752.

Submissions (6):

PreventionGenetics, part of Exact Sciences
Classification: Pathogenic for ALAS2-related condition. Last evaluated: 2026-05-22. Review status: criteria provided, single submitter. Criteria: ACMG Guidelines, 2015. Collection method: clinical testing. Allele origin: germline.
Comment: The ALAS2 c.1706_1709delAGTG variant is predicted to result in a frameshift and premature protein termination (p.Glu569Glyfs*24). This variant has been previously reported to be causative for X-linked dominant protoporphyria (Whatley et al. 2008. PubMed ID: 18760763; Ducamp et al. 2012. PubMed ID: 23263862). This variant has not been reported in a large population database (gnomAD), indicating this variant is rare. Frameshift variants in ALAS2 are expected to be pathogenic. This variant is interpreted as pathogenic.

Labcorp Genetics (formerly Invitae), Labcorp
Classification: Pathogenic. Last evaluated: 2026-01-08. Review status: criteria provided, single submitter. Criteria: Invitae Variant Classification Sherloc (09022015). Collection method: clinical testing. Allele origin: germline.
Comment: This sequence change is expected to alter the c-terminus of the ALAS2 protein (p.Glu569Glyfs*24). While this is not anticipated to result in nonsense mediated decay, it is expected to disrupt the last 19 amino acid(s) of the ALAS2 protein and extend the protein by 4 additional amino acid residues. This variant is not present in population databases (gnomAD no frequency). This frameshift has been observed in individual(s) with X-linked dominant erythropoietic protoporphyria (PMID: 18760763). It has also been observed to segregate with disease in related individuals. Algorithms developed to predict the effect of variants on gene product structure and function are not available or were not evaluated for this variant. Experimental studies have shown that this frameshift affects ALAS2 function (PMID: 23263862). For these reasons, this variant has been classified as Pathogenic.

Mayo Clinic Laboratories, Mayo Clinic
Classification: Pathogenic. Last evaluated: 2025-05-09. Review status: criteria provided, single submitter. Criteria: ACMG Guidelines, 2015. Collection method: clinical testing. Allele origin: germline. Observed: 1 variant allele.
Comment: PM2_supporting, PM4, PS3, PS4

Centre of Medical Genetics, University Hospital Muenster
Classification: Likely pathogenic. Last evaluated: 2023-03-15. Review status: criteria provided, single submitter. Criteria: ACMG Guidelines, 2015. Collection method: clinical testing. Allele origin: unknown. Affected: yes. Observed: 1 variant allele, 1 heterozygote.
Comment: ACMG categories: PVS1,PM2

OMIM
Classification: Pathogenic for PROTOPORPHYRIA, ERYTHROPOIETIC, X-LINKED DOMINANT. Last evaluated: 2013-04-01. Review status: no assertion criteria provided. Collection method: literature only. Allele origin: unknown. Not counted in ClinVar's aggregate classification.

GeneReviews
No classification provided. Condition: X-linked erythropoietic protoporphyria. Review status: no classification provided. Collection method: literature only. Allele origin: unknown. Not counted in ClinVar's aggregate classification.

Literature cited by the submitters: PubMed 18760763 (cited by 3 submitters); PubMed 23263862 (cited by Labcorp Genetics (formerly Invitae), Labcorp and OMIM); PubMed 23348515 (cited by Mayo Clinic Laboratories, Mayo Clinic); PubMed 23364466 (cited by Mayo Clinic Laboratories, Mayo Clinic); PubMed 24131146 (cited by Mayo Clinic Laboratories, Mayo Clinic); PubMed 25615817 (cited by Mayo Clinic Laboratories, Mayo Clinic); PubMed 26193873 (cited by Mayo Clinic Laboratories, Mayo Clinic); PubMed 26387792 (cited by Mayo Clinic Laboratories, Mayo Clinic); PubMed 32355788 (cited by Mayo Clinic Laboratories, Mayo Clinic); PubMed 23409301 (cited by GeneReviews); NCBI Bookshelf NBK121284 (cited by GeneReviews).

NM_000032.5(ALAS2):c.1706_1709del (p.Glu569fs)

Gene: ALAS2 (5'-aminolevulinate synthase 2; minus strand). Cytogenetic location: Xp11.21.
Variant type: Microsatellite.
Coding change: c.1706_1709del on transcript NM_000032.5 (MANE Select); coding-DNA positions 1706 to 1709, 4 bases deleted (AGTG; older notation c.1706_1709delAGTG).
Protein change: p.Glu569fs; shifts the reading frame from glutamic acid 569.
Molecular consequence: frameshift variant.
Genome position (GRCh38, 1-based): chrX:55,009,235-55,009,238, CACT deleted on the plus strand (AGTG on the coding strand, the reverse complement: ALAS2 is on the minus strand); deleting any 4 consecutive bases within chrX:55,009,235-55,009,244 gives the same sequence; the c. name uses the placement nearest the transcript's 3' end. VCF-style (leftmost placement, unchanged base first): chrX-55009234-CCACT-C. GRCh37 (hg19) VCF-style: chrX-55035667-CCACT-C.
Other names: p.Glu569Glyfs*24; c.1595_1598del, p.Glu532fs (NM_001037967.4); c.1667_1670del, p.Glu556fs (NM_001037968.4); short protein forms E532fs, E556fs, E569fs.
Identifiers: ClinVar variation 10482 (VCV000010482.13), dbSNP rs387906472, ClinGen allele CA340983.